The following is an entry in ClinVar:

NM_003002.4(SDHD):c.76G>A (p.Val26Ile)

Gene: SDHD (succinate dehydrogenase complex subunit D; plus strand). Cytogenetic location: 11q23.1.
Variant type: single nucleotide variant.
Coding change: c.76G>A on transcript NM_003002.4 (MANE Select); coding-DNA position 76, G replaced by A.
Protein change: p.Val26Ile; replaces valine 26 with isoleucine.
Molecular consequence: missense variant. On other transcripts: non-coding transcript variant (1), intron variant (1).
Genome position (GRCh38, 1-based): chr11:112,087,880, G>A. VCF-style: chr11-112087880-G-A. GRCh37 (hg19) VCF-style: chr11-111958604-G-A.
Other names: c.76G>A, p.Val26Ile (NM_001276503.2, NM_001276506.2); c.52+921G>A (NM_001276504.2); short protein forms V26I.
Identifiers: ClinVar variation 4548336 (VCV004548336.1).

ClinVar aggregate classification (germline): Uncertain significance (1 of 4 stars; one submission).

Conditions:
Hereditary cancer-predisposing syndrome. Also called: Tumor predisposition; Hereditary Cancer Syndrome; Hereditary neoplastic syndrome; Neoplastic Syndromes, Hereditary. Identifiers: Orphanet 140162, MedGen C0027672, MeSH D009386, MONDO:0015356.

Submission:

Ambry Genetics
Classification: Uncertain significance for Hereditary cancer-predisposing syndrome. Last evaluated: 2025-09-22. Review status: criteria provided, single submitter. Criteria: Ambry Variant Classification Scheme 2023. Collection method: clinical testing. Allele origin: germline.
Comment: The p.V26I variant (also known as c.76G>A), located in coding exon 2 of the SDHD gene, results from a G to A substitution at nucleotide position 76. The valine at codon 26 is replaced by isoleucine, an amino acid with highly similar properties. This amino acid position is conserved. In addition, the in silico prediction for this alteration is inconclusive. Based on the available evidence, the clinical significance of this variant remains unclear.